The following is an entry in ClinVar:

NM_001098816.3(TENM4):c.4350C>A (p.Val1450=)

Gene: TENM4 (teneurin transmembrane protein 4; minus strand). Cytogenetic location: 11q14.1.
Variant type: single nucleotide variant.
Coding change: c.4350C>A on transcript NM_001098816.3 (MANE Select); coding-DNA position 4350, C replaced by A.
Protein change: p.Val1450=; no amino-acid change (valine 1450 retained).
Molecular consequence: synonymous variant.
Genome position (GRCh38, 1-based): chr11:78,702,263, G>T on the plus strand (C>A on the coding strand, the complement: TENM4 is on the minus strand). VCF-style: chr11-78702263-G-T. GRCh37 (hg19) VCF-style: chr11-78413308-G-T.
Identifiers: ClinVar variation 5039116 (VCV005039116.1).

ClinVar aggregate classification (germline): Likely benign (1 of 4 stars; one submission).

Submission:

CeGaT Center for Human Genetics Tuebingen
Classification: Likely benign. Last evaluated: 2026-08-01. Review status: criteria provided, single submitter. Criteria: CeGaT Center For Human Genetics Tuebingen Variant Classification Criteria Version 2. Collection method: clinical testing. Allele origin: germline. Affected: yes. Observed: 1 variant allele.
Comment: TENM4: PM2:Supporting, BP4, BP7